The following is an entry in ClinVar:

NM_173495.3(PTCHD1):c.2155G>A (p.Ala719Thr)

Gene: PTCHD1 (patched domain containing 1; plus strand). Cytogenetic location: Xp22.11.
Variant type: single nucleotide variant.
Coding change: c.2155G>A on transcript NM_173495.3 (MANE Select); coding-DNA position 2155, G replaced by A.
Protein change: p.Ala719Thr; replaces alanine 719 with threonine.
Molecular consequence: missense variant.
Genome position (GRCh38, 1-based): chrX:23,393,673, G>A. VCF-style: chrX-23393673-G-A. GRCh37 (hg19) VCF-style: chrX-23411790-G-A.
Other names: short protein forms A719T.
Identifiers: ClinVar variation 3774625 (VCV003774625.1).
Genomic context (GRCh38, chrX:23,393,673, plus strand): 5'-CCCCTGCACAACTCCTGCATCAGTGCTTTGTTCCTGCTCTTCTTCTCGGCATTCCTGGTG[G>A]CAGATTCACTGATTAACGTCTGGATCACTCTCACAGTTGTGTCCGTGGAGTTTGGAGTGA-3'
Protein context (NP_775766.2, residues 709-729): FLLFFSAFLV[Ala719Thr]DSLINVWITL

ClinVar aggregate classification (germline): Uncertain significance (1 of 4 stars; one submission).

Submission:

GeneDx
Classification: Uncertain significance. Last evaluated: 2024-09-29. Review status: criteria provided, single submitter. Criteria: GeneDx Variant Classification Process June 2021. Collection method: clinical testing. Allele origin: germline. Affected: yes.
Comment: Not observed at significant frequency in large population cohorts (gnomAD); In silico analysis indicates that this missense variant does not alter protein structure/function; Has not been previously published as pathogenic or benign to our knowledge